The following is an entry in ClinVar:

NM_004360.5(CDH1):c.1601A>G (p.Glu534Gly)

Gene: CDH1 (cadherin 1; plus strand). Cytogenetic location: 16q22.1.
Variant type: single nucleotide variant.
Coding change: c.1601A>G on transcript NM_004360.5 (MANE Select); coding-DNA position 1601, A replaced by G.
Protein change: p.Glu534Gly; replaces glutamic acid 534 with glycine.
Molecular consequence: missense variant. On other transcripts: intron variant (1).
Genome position (GRCh38, 1-based): chr16:68,819,315, A>G. VCF-style: chr16-68819315-A-G. GRCh37 (hg19) VCF-style: chr16-68853218-A-G.
Other names: c.1601A>G (NM_004360.3); c.1418A>G, p.Glu473Gly (NM_001317184.2); c.53A>G, p.Glu18Gly (NM_001317185.2); c.-254-2686A>G (NM_001317186.2); short protein forms E473G, E534G, E18G.
Identifiers: ClinVar variation 1425914 (VCV001425914.13), dbSNP rs765495095, ClinGen allele CA8130110.

ClinVar aggregate classification (germline): Conflicting classifications of pathogenicity. Review status: criteria provided, conflicting classifications (1 of 4 stars). 2 submissions from 2 submitters: Uncertain significance (1); Likely benign (1). Last evaluated 2026-07-01.

Conditions:
Hereditary cancer-predisposing syndrome. Also called: Hereditary Cancer Syndrome; Neoplastic Syndromes, Hereditary; Hereditary neoplastic syndrome; Tumor predisposition. Identifiers: Orphanet 140162, MedGen C0027672, MeSH D009386, MONDO:0015356.
Hereditary diffuse gastric adenocarcinoma (HDGC). Also called: DIFFUSE GASTRIC AND LOBULAR BREAST CANCER SYNDROME. Identifiers: Orphanet 26106, MedGen C1708349, MONDO:0007648, OMIM 137215.

Allele frequency attached by ClinVar (database versions not stated): ExAC 0.00002; gnomAD exomes 0.00001.
gnomAD v4.1: 11 of 1,614,170 alleles (0.00068%); highest among the groups gnomAD compares: South Asian, 0.011%; no homozygotes.

Submissions (2):

Ambry Genetics
Classification: Likely benign for Hereditary cancer-predisposing syndrome. Last evaluated: 2026-07-01. Review status: criteria provided, single submitter. Criteria: Ambry Variant Classification Scheme 2023. Collection method: clinical testing. Allele origin: germline.

Labcorp Genetics (formerly Invitae), Labcorp
Classification: Uncertain significance for Hereditary diffuse gastric adenocarcinoma. Last evaluated: 2023-05-22. Review status: criteria provided, single submitter. Criteria: Invitae Variant Classification Sherloc (09022015). Collection method: clinical testing. Allele origin: germline.
Comment: This variant has not been reported in the literature in individuals affected with CDH1-related conditions. ClinVar contains an entry for this variant (Variation ID: 1425914). This variant is present in population databases (rs765495095, gnomAD 0.01%). This sequence change replaces glutamic acid, which is acidic and polar, with glycine, which is neutral and non-polar, at codon 534 of the CDH1 protein (p.Glu534Gly). An algorithm developed to predict the effect of missense changes on protein structure and function (PolyPhen-2) suggests that this variant is likely to be tolerated. In summary, the available evidence is currently insufficient to determine the role of this variant in disease. Therefore, it has been classified as a Variant of Uncertain Significance.